The following is an entry in ClinVar:

NM_005236.3(ERCC4):c.2386C>A (p.Pro796Thr)

Gene: ERCC4 (ERCC excision repair 4, endonuclease catalytic subunit; plus strand). Cytogenetic location: 16p13.12.
Variant type: single nucleotide variant.
Coding change: c.2386C>A on transcript NM_005236.3 (MANE Select); coding-DNA position 2386, C replaced by A.
Protein change: p.Pro796Thr; replaces proline 796 with threonine.
Molecular consequence: missense variant.
Genome position (GRCh38, 1-based): chr16:13,947,982, C>A. VCF-style: chr16-13947982-C-A. GRCh37 (hg19) VCF-style: chr16-14041839-C-A.
Other names: short protein forms P796T.
Identifiers: ClinVar variation 2923361 (VCV002923361.3), dbSNP rs772423662, ClinGen allele CA278485566.

ClinVar aggregate classification (germline): Uncertain significance (1 of 4 stars; one submission).

Conditions:
Cockayne syndrome. Identifiers: Orphanet 191, MedGen C0009207, MONDO:0016006.
Fanconi anemia complementation group Q. Identifiers: Orphanet 84, MedGen C3808988, MONDO:0014108, OMIM 615272.
Xeroderma pigmentosum, group F (XPF). Also called: XERODERMA PIGMENTOSUM, COMPLEMENTATION GROUP F; XERODERMA PIGMENTOSUM VI; XP, GROUP F; XERODERMA PIGMENTOSUM, TYPE F; Xeroderma pigmentosum, type 6; ERCC4-Related Xeroderma Pigmentosum. Identifiers: MedGen C0268140, MONDO:0010215, OMIM 278760.

Submission:

Labcorp Genetics (formerly Invitae), Labcorp
Classification: Uncertain significance for Fanconi anemia complementation group Q; Xeroderma pigmentosum, group F; Cockayne syndrome. Last evaluated: 2022-12-03. Review status: criteria provided, single submitter. Criteria: Invitae Variant Classification Sherloc (09022015). Collection method: clinical testing. Allele origin: germline.
Comment: Advanced modeling of protein sequence and biophysical properties (such as structural, functional, and spatial information, amino acid conservation, physicochemical variation, residue mobility, and thermodynamic stability) performed at Invitae indicates that this missense variant is expected to disrupt ERCC4 protein function. This variant has not been reported in the literature in individuals affected with ERCC4-related conditions. This variant is not present in population databases (gnomAD no frequency). This sequence change replaces proline, which is neutral and non-polar, with threonine, which is neutral and polar, at codon 796 of the ERCC4 protein (p.Pro796Thr). In summary, the available evidence is currently insufficient to determine the role of this variant in disease. Therefore, it has been classified as a Variant of Uncertain Significance.